The following is an entry in ClinVar:

NM_002941.4(ROBO1):c.3823T>C (p.Leu1275=)

Gene: ROBO1 (roundabout guidance receptor 1; minus strand). Cytogenetic location: 3p12.3.
Variant type: single nucleotide variant.
Coding change: c.3823T>C on transcript NM_002941.4 (MANE Select); coding-DNA position 3823, T replaced by C.
Protein change: p.Leu1275=; no amino-acid change (leucine 1275 retained).
Molecular consequence: synonymous variant.
Genome position (GRCh38, 1-based): chr3:78,627,373, A>G on the plus strand (T>C on the coding strand, the complement: ROBO1 is on the minus strand). VCF-style: chr3-78627373-A-G. GRCh37 (hg19) VCF-style: chr3-78676523-A-G.
Other names: c.3523T>C, p.Leu1175= (NM_001145845.2); c.3688T>C, p.Leu1230= (NM_133631.4).
Identifiers: ClinVar variation 713785 (VCV000713785.33), dbSNP rs62260386, ClinGen allele CA2498268.
Genomic context (GRCh38, chr3:78,627,373, plus strand): 5'-CAACATACCTCCTGTCGGGCTGGTGCTGCATGTGGCCAGTCTCCTCTGGACAATCCTGTA[A>G]CATGGGCTGGAGTTCTTCCTGTGGGGAGGGAGTCAGAGTGGCAGTGGACTGATGGCTATA-3'
Protein context (NP_002932.1, residues 1265-1285): PSPQEELQPM[Leu1275=]QDCPEETGHM

ClinVar aggregate classification (germline): Benign. Review status: criteria provided, multiple submitters, no conflicts (2 of 4 stars). 4 submissions from 4 submitters: Benign (3). 1 of the submissions does not count toward it. Last evaluated 2026-09-01.

Conditions:
ROBO1-related disorder. Also called: ROBO1-related condition.

Allele frequency attached by ClinVar (database versions not stated): 1000 Genomes Project 0.00240; 1000 Genomes Project 30x 0.00250; gnomAD 0.00651 and 0.00658; TOPMed 0.00659; gnomAD exomes 0.00706 and 0.01049; ExAC 0.00740; ESP Exome Variant Server 0.00832.
gnomAD v4.1: 16,196 of 1,612,624 alleles (1%); highest among the groups gnomAD compares: Non-Finnish European, 1.2%; 105 homozygotes.

Submissions (4):

CeGaT Center for Human Genetics Tuebingen
Classification: Benign. Last evaluated: 2026-09-01. Review status: criteria provided, single submitter. Criteria: CeGaT Center For Human Genetics Tuebingen Variant Classification Criteria Version 2. Collection method: clinical testing. Allele origin: germline. Affected: yes. Observed: 24 variant alleles.
Comment: ROBO1: BP4, BP7, BS1, BS2

Labcorp Genetics (formerly Invitae), Labcorp
Classification: Benign. Last evaluated: 2026-01-22. Review status: criteria provided, single submitter. Criteria: Invitae Variant Classification Sherloc (09022015). Collection method: clinical testing. Allele origin: germline.

Breakthrough Genomics
Classification: Benign. Review status: criteria provided, single submitter. Criteria: ACMG Guidelines, 2015. Collection method: not provided. Allele origin: germline. Inheritance: Unknown mechanism. Affected: yes.

PreventionGenetics, part of Exact Sciences
Classification: Benign for ROBO1-related condition. Last evaluated: 2019-09-17. Review status: no assertion criteria provided. Collection method: clinical testing. Allele origin: germline. Not counted in ClinVar's aggregate classification.
Comment: This variant is classified as benign based on ACMG/AMP sequence variant interpretation guidelines (Richards et al. 2015 PMID: 25741868, with internal and published modifications).